The following is an entry in ClinVar:

NM_025136.4(OPA3):c.*3360G>A

Genes: OPA3-RTN2 (OPA3-RTN2 readthrough; minus strand), OPA3 (outer mitochondrial membrane lipid metabolism regulator OPA3; minus strand). Cytogenetic location: 19q13.32.
Variant type: single nucleotide variant.
Coding change: c.*3360G>A on transcript NM_025136.4 (MANE Select); 3360 bases downstream of the stop codon, G replaced by A.
Molecular consequence: 3 prime UTR variant. On other transcripts: intron variant (1).
Genome position (GRCh38, 1-based): chr19:45,550,154, C>T on the plus strand (G>A on the coding strand, the complement: OPA3 is on the minus strand). VCF-style: chr19-45550154-C-T. GRCh37 (hg19) VCF-style: chr19-46053412-C-T.
Other names: c.143-20698G>A (NM_001017989.3).
Identifiers: ClinVar variation 329625 (VCV000329625.29), dbSNP rs545764728, ClinGen allele CA10652126.

ClinVar aggregate classification (germline): Conflicting classifications of pathogenicity. Review status: criteria provided, conflicting classifications (1 of 4 stars). 3 submissions from 2 submitters: Uncertain significance (1); Benign (1); Likely benign (1). Last evaluated 2022-11-01.

Conditions:
3-Methylglutaconic aciduria type 3 (MGCA3). Also called: OPA3, AUTOSOMAL RECESSIVE; OPTIC ATROPHY 3, AUTOSOMAL RECESSIVE; Costeff Syndrome; OPA3-Related 3-Methylglutaconic Aciduria. Identifiers: Orphanet 67047, MedGen C0574084, MONDO:0009787, OMIM 258501.
Optic atrophy 3 (OPA3). Also called: OPTIC ATROPHY 3, AUTOSOMAL DOMINANT; Optic atrophy, cataract, and neurologic disorder; Optic atrophy 3 with cataract. Identifiers: Orphanet 67036, MedGen C1833809, MONDO:0008133, OMIM 165300.

Allele frequency attached by ClinVar (database versions not stated): 1000 Genomes Project 30x 0.00187; 1000 Genomes Project 0.00200; TOPMed 0.00152; gnomAD 0.00156 and 0.00185; gnomAD exomes 0.00304.
gnomAD v4.1: 2,750 of 964,448 alleles (0.29%); highest among the groups gnomAD compares: South Asian, 1%; 5 homozygotes.

Submissions (3):

CeGaT Center for Human Genetics Tuebingen
Classification: Likely benign. Last evaluated: 2022-11-01. Review status: criteria provided, single submitter. Criteria: CeGaT Center For Human Genetics Tuebingen Variant Classification Criteria Version 2. Collection method: clinical testing. Allele origin: germline. Affected: yes. Observed: 2 variant alleles.
Comment: OPA3: BS1

Illumina Laboratory Services, Illumina
Classification: Uncertain significance for 3-Methylglutaconic aciduria type 3. Last evaluated: 2018-01-12. Review status: criteria provided, single submitter. Criteria: ICSL Variant Classification Criteria 13 December 2019. Collection method: clinical testing. Allele origin: germline.

Illumina Laboratory Services, Illumina
Classification: Benign for Optic atrophy 3. Last evaluated: 2018-01-12. Review status: criteria provided, single submitter. Criteria: ICSL Variant Classification Criteria 13 December 2019. Collection method: clinical testing. Allele origin: germline.
Comment: This variant was observed in the ICSL laboratory as part of a predisposition screen in an ostensibly healthy population. It had not been previously curated by ICSL or reported in the Human Gene Mutation Database (HGMD: prior to June 1st, 2018), and was therefore a candidate for classification through an automated scoring system. Utilizing variant allele frequency, disease prevalence and penetrance estimates, and inheritance mode, an automated score was calculated to assess if this variant is too frequent to cause the disease. Based on the score and internal cut-off values, a variant classified as benign is not then subjected to further curation. The score for this variant resulted in a classification of benign for this disease.